The following is an entry in ClinVar:

NM_004655.4(AXIN2):c.1535A>G (p.Lys512Arg)

Gene: AXIN2 (axin 2; minus strand). Cytogenetic location: 17q24.1.
Variant type: single nucleotide variant.
Coding change: c.1535A>G on transcript NM_004655.4 (MANE Select); coding-DNA position 1535, A replaced by G.
Protein change: p.Lys512Arg; replaces lysine 512 with arginine.
Molecular consequence: missense variant.
Genome position (GRCh38, 1-based): chr17:65,537,501, T>C on the plus strand (A>G on the coding strand, the complement: AXIN2 is on the minus strand). VCF-style: chr17-65537501-T-C. GRCh37 (hg19) VCF-style: chr17-63533619-T-C.
Other names: c.1535A>G, p.Lys512Arg (NM_001363813.1); short protein forms K512R.
Identifiers: ClinVar variation 3814622 (VCV003814622.1).

ClinVar aggregate classification (germline): Uncertain significance (1 of 4 stars; one submission).

Conditions:
Hereditary cancer-predisposing syndrome. Also called: Hereditary neoplastic syndrome; Neoplastic Syndromes, Hereditary; Tumor predisposition; Hereditary Cancer Syndrome. Identifiers: Orphanet 140162, MedGen C0027672, MeSH D009386, MONDO:0015356.

Submission:

Ambry Genetics
Classification: Uncertain significance for Hereditary cancer-predisposing syndrome. Last evaluated: 2025-02-06. Review status: criteria provided, single submitter. Criteria: Ambry Variant Classification Scheme 2023. Collection method: clinical testing. Allele origin: germline.
Comment: The p.K512R variant (also known as c.1535A>G), located in coding exon 5 of the AXIN2 gene, results from an A to G substitution at nucleotide position 1535. The lysine at codon 512 is replaced by arginine, an amino acid with highly similar properties. This amino acid position is conserved. In addition, this alteration is predicted to be tolerated by in silico analysis. Based on the available evidence, the clinical significance of this variant remains unclear.